The following is an entry in ClinVar:

ClinVar aggregate classification (germline): Benign. Review status: criteria provided, multiple submitters, no conflicts (2 of 4 stars). 11 submissions from 10 submitters: Benign (9). 2 of the submissions do not count toward it. Last evaluated 2026-02-04.

Conditions:
Hearing loss, autosomal recessive 57. Also called: DEAFNESS, AUTOSOMAL RECESSIVE 57. Identifiers: MedGen C4693893, MONDO:0033201, OMIM 618003.
Usher syndrome type 2C. Also called: Usher syndrome, type 2B; USHER SYNDROME, TYPE IIC. Identifiers: Orphanet 231178, Orphanet 886, MedGen C2931213, MONDO:0011558, OMIM 605472.

Allele frequency attached by ClinVar (database versions not stated): gnomAD exomes 0.82981 and 0.80776; 1000 Genomes Project 0.77616; ExAC 0.81087; TOPMed 0.81380; gnomAD 0.81530 and 0.81877.
gnomAD v4.1: 1,254,682 of 1,515,998 alleles (83%); highest among the groups gnomAD compares: Non-Finnish European, 84%; 518,457 homozygotes.

Submissions (11):

Labcorp Genetics (formerly Invitae), Labcorp
Classification: Benign. Last evaluated: 2026-02-04. Review status: criteria provided, single submitter. Criteria: Invitae Variant Classification Sherloc (09022015). Collection method: clinical testing. Allele origin: germline.

Genome-Nilou Lab
Classification: Benign for Hearing loss, autosomal recessive 57. Last evaluated: 2021-09-05. Review status: criteria provided, single submitter. Criteria: ACMG Guidelines, 2015. Collection method: clinical testing. Allele origin: germline. Affected: no.

Genome-Nilou Lab
Classification: Benign for Usher syndrome type 2C. Last evaluated: 2021-09-05. Review status: criteria provided, single submitter. Criteria: ACMG Guidelines, 2015. Collection method: clinical testing. Allele origin: germline. Affected: no.

Mayo Clinic Laboratories, Mayo Clinic
Classification: Benign. Last evaluated: 2020-08-31. Review status: criteria provided, single submitter. Criteria: ACMG Guidelines, 2015. Collection method: clinical testing. Allele origin: germline. Observed: 155 variant alleles.

GeneDx
Classification: Benign. Last evaluated: 2018-04-02. Review status: criteria provided, single submitter. Criteria: GeneDx Variant Classification (06012015). Collection method: clinical testing. Allele origin: germline. Affected: yes.
Comment: This variant is considered likely benign or benign based on one or more of the following criteria: it is a conservative change, it occurs at a poorly conserved position in the protein, it is predicted to be benign by multiple in silico algorithms, and/or has population frequency not consistent with disease.

Eurofins Ntd Llc (ga)
Classification: Benign. Last evaluated: 2014-07-02. Review status: criteria provided, single submitter. Criteria: EGL Classification Definitions 2015. Collection method: clinical testing. Allele origin: germline. Observed: 3 variant alleles, 1 heterozygote, 2 homozygotes.

Laboratory for Molecular Medicine, Mass General Brigham Personalized Medicine
Classification: Benign. Last evaluated: 2012-04-30. Review status: criteria provided, single submitter. Criteria: LMM Criteria. Collection method: clinical testing. Allele origin: germline. Observed: 492 variant alleles.
Comment: Arg773Arg in Exon 15 of PDZD7: This variant is not expected to have clinical sig nificance because it does not alter an amino acid residue, is not located within the splice consensus sequence, and has been identified in 26.3% (31/118) of chr omosomes from a population in the dbSNP database (ojects/SNP; rs807022).

Breakthrough Genomics
Classification: Benign. Review status: criteria provided, single submitter. Criteria: ACMG Guidelines, 2015. Collection method: not provided. Allele origin: germline. Inheritance: Autosomal recessive inheritance. Affected: yes.

PreventionGenetics, part of Exact Sciences
Classification: Benign. Review status: criteria provided, single submitter. Criteria: ACMG Guidelines, 2015. Collection method: clinical testing. Allele origin: germline.

Diagnostic Laboratory, Department of Genetics, University Medical Center Groningen
Classification: Benign. Review status: no assertion criteria provided. Collection method: clinical testing. Allele origin: germline. Affected: yes. Study: VKGL Data-share Consensus. Not counted in ClinVar's aggregate classification.

Joint Genome Diagnostic Labs from Nijmegen and Maastricht, Radboudumc and MUMC+
Classification: Benign. Review status: no assertion criteria provided. Collection method: clinical testing. Allele origin: germline. Affected: yes. Study: VKGL Data-share Consensus. Not counted in ClinVar's aggregate classification.

NM_001195263.2(PDZD7):c.2319T>C (p.Arg773=)

Gene: PDZD7 (PDZ domain containing 7; minus strand). Cytogenetic location: 10q24.31.
Variant type: single nucleotide variant.
Coding change: c.2319T>C on transcript NM_001195263.2 (MANE Select); coding-DNA position 2319, T replaced by C.
Protein change: p.Arg773=; no amino-acid change (arginine 773 retained).
Molecular consequence: synonymous variant.
Genome position (GRCh38, 1-based): chr10:101,010,570, A>G on the plus strand (T>C on the coding strand, the complement: PDZD7 is on the minus strand). VCF-style: chr10-101010570-A-G. GRCh37 (hg19) VCF-style: chr10-102770327-A-G.
Other names: p.Arg773=.
Identifiers: ClinVar variation 44124 (VCV000044124.26), dbSNP rs807022, ClinGen allele CA133627.
Genomic context (GRCh38, chr10:101,010,570, plus strand): 5'-ACCTGGAGACTTGCCTTGACCCCGGCTGCTGCGGCTGCGGCTGCGGCTACGGCTGCGGCT[A>G]CGGCTCTGAGCCCGGCCCCGGATCTGGCTCTGCGGAGGGTGCTCTCGGCTCAGGGGTTCT-3'
Protein context (NP_001182192.1, residues 763-783): QSQIRGRAQS[Arg773=]SRSRSRSRSR